The following is an entry in ClinVar:

ClinVar aggregate classification (germline): Pathogenic (1 of 4 stars; one submission).

Conditions:
Osteogenesis imperfecta type I (OI1). Also called: Lobstein disease; Classic Non-deforming Osteogenesis Imperfecta with Blue Sclerae; OI, TYPE I; OSTEOGENESIS IMPERFECTA TARDA; OSTEOGENESIS IMPERFECTA WITH BLUE SCLERAE; Osteogenesis imperfecta type 1. Identifiers: Orphanet 216796, Orphanet 666, MedGen C0023931, MONDO:0008146, OMIM 166200. Disease mechanism: loss of function.

Submission:

Labcorp Genetics (formerly Invitae), Labcorp
Classification: Pathogenic for Osteogenesis imperfecta type I. Last evaluated: 2024-10-07. Review status: criteria provided, single submitter. Criteria: Invitae Variant Classification Sherloc (09022015). Collection method: clinical testing. Allele origin: germline.
Comment: This sequence change creates a premature translational stop signal (p.Asp801Lysfs*38) in the COL1A1 gene. It is expected to result in an absent or disrupted protein product. Loss-of-function variants in COL1A1 are known to be pathogenic (PMID: 7942841, 9295084, 9443882). This variant is not present in population databases (gnomAD no frequency). This variant has not been reported in the literature in individuals affected with COL1A1-related conditions. For these reasons, this variant has been classified as Pathogenic.

Literature cited by the submitters: PubMed 7942841; PubMed 9295084; PubMed 9443882.

NM_000088.4(COL1A1):c.2400_2409delinsGAAAGGGGAAGAGGGGAGGATTAGCGAGAAGAGGGACAGATCCCAGAGAGAAGGAGAGATGCTGA (p.Asp801fs)

Gene: COL1A1 (collagen type I alpha 1 chain; minus strand). Cytogenetic location: 17q21.33.
Variant type: Indel.
Coding change: c.2400_2409delinsGAAAGGGGAAGAGGGGAGGATTAGCGAGAAGAGGGACAGATCCCAGAGAGAAGGAGAGATGCTGA on transcript NM_000088.4 (MANE Select); coding-DNA positions 2400 to 2409, the reference bases replaced by an inserted sequence.
Protein change: p.Asp801fs; shifts the reading frame from aspartic acid 801.
Molecular consequence: frameshift variant.
Genome position (GRCh38, 1-based): chr17:50,190,369-50,190,378, 10 bases replaced. GRCh37 (hg19): chr17:48,267,730-48,267,739.
Other names: short protein forms D801fs.
Identifiers: ClinVar variation 1453749 (VCV001453749.6), dbSNP rs2144554620, ClinGen allele CA2573154236.